The following is an entry in ClinVar:

NC_000005.10:g.112707361C>T

Gene: APC (APC regulator of Wnt signaling pathway; plus strand). Cytogenetic location: 5q22.2.
Variant type: single nucleotide variant.
Genome position: GRCh38 VCF-style: chr5-112707361-C-T. GRCh37 (hg19) VCF-style: chr5-112043058-C-T.
Identifiers: ClinVar variation 4751242 (VCV004751242.1).

ClinVar aggregate classification (germline): Uncertain significance (1 of 4 stars; one submission).

Conditions:
Familial adenomatous polyposis 1 (FAP1). Also called: POLYPOSIS, ADENOMATOUS INTESTINAL; FAMILIAL ADENOMATOUS POLYPOSIS 1, ATTENUATED. Identifiers: MedGen C2713442, MONDO:0021056, OMIM 175100. Disease mechanism: loss of function.

Submission:

Labcorp Genetics (formerly Invitae), Labcorp
Classification: Uncertain significance for Familial adenomatous polyposis 1. Last evaluated: 2025-03-03. Review status: criteria provided, single submitter. Criteria: Invitae Variant Classification Sherloc (09022015). Collection method: clinical testing. Allele origin: germline.
Comment: This variant occurs in a non-coding region of the APC gene. It does not change the encoded amino acid sequence of the APC protein. This variant is not present in population databases (gnomAD no frequency). This variant has not been reported in the literature in individuals affected with APC-related conditions. Experimental studies and prediction algorithms are not available or were not evaluated, and the functional significance of this variant is currently unknown. In summary, the available evidence is currently insufficient to determine the role of this variant in disease. Therefore, it has been classified as a Variant of Uncertain Significance.